The following is an entry in ClinVar:

NM_004982.4(KCNJ8):c.635T>C (p.Val212Ala)

Genes: KCNJ8 (potassium inwardly rectifying channel subfamily J member 8; minus strand), KCNJ8-AS1 (KCNJ8 antisense RNA 1; plus strand). Cytogenetic location: 12p12.1.
Variant type: single nucleotide variant.
Coding change: c.635T>C on transcript NM_004982.4 (MANE Select); coding-DNA position 635, T replaced by C.
Protein change: p.Val212Ala; replaces valine 212 with alanine.
Molecular consequence: missense variant.
Genome position (GRCh38, 1-based): chr12:21,766,363, A>G on the plus strand (T>C on the coding strand, the complement: KCNJ8 is on the minus strand). VCF-style: chr12-21766363-A-G. GRCh37 (hg19) VCF-style: chr12-21919297-A-G.
Other names: short protein forms V212A.
Identifiers: ClinVar variation 2727079 (VCV002727079.3), dbSNP rs2540720955, ClinGen allele CA384125349.
Genomic context (GRCh38, chr12:21,766,363, plus strand): 5'-TTCTTGACCACCTGGATGCGCACAGAGGCACTAATGATCATGCTTTTCCTCAGGTCACCC[A>G]CTCGGAACATGAAGCACAGCTTGCCATTTCGGACGGCAATCACAGCATGGCGGCTGAAAA-3'
Protein context (NP_004973.1, residues 202-222): RNGKLCFMFR[Val212Ala]GDLRKSMIIS

ClinVar aggregate classification (germline): Uncertain significance (1 of 4 stars; one submission).

Conditions:
Brugada syndrome. Also called: Sudden unexpected nocturnal death syndrome; Sudden unexplained nocturnal death syndrome; Sudden Unexplained Death Syndrome; Sudden Unexplained Nocturnal Death Syndrome (SUNDS). Identifiers: Orphanet 130, MedGen C1142166, MONDO:0015263.

Submission:

Labcorp Genetics (formerly Invitae), Labcorp
Classification: Uncertain significance for Brugada syndrome. Last evaluated: 2023-06-24. Review status: criteria provided, single submitter. Criteria: Invitae Variant Classification Sherloc (09022015). Collection method: clinical testing. Allele origin: germline.
Comment: In summary, the available evidence is currently insufficient to determine the role of this variant in disease. Therefore, it has been classified as a Variant of Uncertain Significance. Advanced modeling of protein sequence and biophysical properties (such as structural, functional, and spatial information, amino acid conservation, physicochemical variation, residue mobility, and thermodynamic stability) performed at Invitae indicates that this missense variant is not expected to disrupt KCNJ8 protein function. This variant has not been reported in the literature in individuals affected with KCNJ8-related conditions. This variant is not present in population databases (gnomAD no frequency). This sequence change replaces valine, which is neutral and non-polar, with alanine, which is neutral and non-polar, at codon 212 of the KCNJ8 protein (p.Val212Ala).